The following is an entry in ClinVar:

ClinVar aggregate classification (germline): Likely benign. Review status: criteria provided, multiple submitters, no conflicts (2 of 4 stars). 2 submissions from 2 submitters: Likely benign (2). Last evaluated 2025-07-14.

Conditions:
STT3B-congenital disorder of glycosylation. Also called: STT3B-CDG; CDG Ix; Congenital disorder of glycosylation type 1x. Identifiers: Orphanet 370924, MedGen C2931007, MONDO:0014271, OMIM 615597.

Allele frequency attached by ClinVar (database versions not stated): gnomAD 0.00002 and 0.00003; gnomAD exomes 0.00002 and 0.00005; TOPMed 0.00002; ExAC 0.00004; 1000 Genomes Project 30x 0.00016; 1000 Genomes Project 0.00020.
gnomAD v4.1: 75 of 1,608,962 alleles (0.0047%); highest among the groups gnomAD compares: Non-Finnish European, 0.0058%; no homozygotes.

Submissions (2):

Labcorp Genetics (formerly Invitae), Labcorp
Classification: Likely benign for STT3B-congenital disorder of glycosylation. Last evaluated: 2025-07-14. Review status: criteria provided, single submitter. Criteria: Invitae Variant Classification Sherloc (09022015). Collection method: clinical testing. Allele origin: germline.

GeneDx
Classification: Likely benign. Last evaluated: 2016-02-17. Review status: criteria provided, single submitter. Criteria: GeneDx Variant Classification (06012015). Collection method: clinical testing. Allele origin: germline. Affected: yes.
Comment: This variant is considered likely benign or benign based on one or more of the following criteria: it is a conservative change, it occurs at a poorly conserved position in the protein, it is predicted to be benign by multiple in silico algorithms, and/or has population frequency not consistent with disease.

NM_178862.3(STT3B):c.2073+13A>G

Gene: STT3B (STT3 oligosaccharyltransferase complex catalytic subunit B; plus strand). Cytogenetic location: 3p23.
Variant type: single nucleotide variant.
Coding change: c.2073+13A>G on transcript NM_178862.3 (MANE Select); 13 bases into the intron after coding-DNA position 2073, A replaced by G.
Molecular consequence: intron variant.
Genome position (GRCh38, 1-based): chr3:31,626,140, A>G. VCF-style: chr3-31626140-A-G. GRCh37 (hg19) VCF-style: chr3-31667632-A-G.
Identifiers: ClinVar variation 383280 (VCV000383280.2), dbSNP rs540293837, ClinGen allele CA2295332.